The following is an entry in ClinVar:

ClinVar aggregate classification (germline): Uncertain significance (1 of 4 stars; one submission).

Conditions:
Steel syndrome (STLS). Identifiers: Orphanet 438117, MedGen C3554594, MONDO:0014061, OMIM 615155.

Submission:

Kasturba Medical College, Manipal, Kasturba Medical College, Manipal, Manipal Academy of Higher Education, Manipal, India
Classification: Uncertain significance for Steel syndrome. Last evaluated: 2018-11-27. Review status: criteria provided, single submitter. Criteria: ACMG Guidelines, 2015. Collection method: clinical testing. Allele origin: inherited. Affected: yes. Observed: 2 variant alleles.
Comment: It has been observed in 6 individuals in heterozygous state with an allele frequency of 0.00002393 in gnomAD population database and not found in our in-house database of 569 exomes. In silico analysis tools are inconsistent in predicting that the variant c.295G>A is damaging to COL27A1 protein function. However, the variant occurs in laminin G domain, which is critical for heparin-binding and cell attachment activity [Tisi et al. 2000]. Compound heterozygous variant in lamimin G domain have been reported to cause Steel syndrome [Kotabagi et al. 2017]. It is seen in 38 individuals in gnomAD population database with an allele frequency of 0.0001344 and in one individual in our in-house database in heterozygous state. In silico analysis tools are consistent in predicting that the variant c.3056C>A is damaging to COL27A1 protein function. The variant affects a highly conserved proline residue that is part of the Gly-Xaa-Yaa repeat motif of triple helical domain characteristic of collagen proteins [Handford et al. 2003].

Literature cited by the submitters: PubMed 28276056.

NM_032888.4(COL27A1):c.[295G>A;3056C>A]

Variant type: Haplotype.
Identifiers: ClinVar variation 827678 (VCV000827678.4).